The following is an entry in ClinVar:

NM_020822.3(KCNT1):c.3604G>A (p.Asp1202Asn)

Gene: KCNT1 (potassium sodium-activated channel subfamily T member 1; plus strand). Cytogenetic location: 9q34.3.
Variant type: single nucleotide variant.
Coding change: c.3604G>A on transcript NM_020822.3 (MANE Select); coding-DNA position 3604, G replaced by A.
Protein change: p.Asp1202Asn; replaces aspartic acid 1202 with asparagine.
Molecular consequence: missense variant.
Genome position (GRCh38, 1-based): chr9:135,792,057, G>A. VCF-style: chr9-135792057-G-A. GRCh37 (hg19) VCF-style: chr9-138683903-G-A.
Other names: c.3532G>A, p.Asp1178Asn (NM_001272003.2); short protein forms D1178N, D1202N.
Identifiers: ClinVar variation 3758513 (VCV003758513.2).

ClinVar aggregate classification (germline): Uncertain significance (1 of 4 stars; one submission).

Conditions:
Autosomal dominant nocturnal frontal lobe epilepsy 5. Also called: KCNT1-Related Epilepsy; CILIARY DYSKINESIA, PRIMARY, 28, WITHOUT SITUS INVERSUS; CILIARY DYSKINESIA, PRIMARY, 28, WITH SITUS INVERSUS; Epilepsy, nocturnal frontal lobe, 5. Identifiers: Orphanet 98784, MedGen C3554306, MONDO:0014002, OMIM 615005.
Developmental and epileptic encephalopathy, 14 (DEE14). Also called: Early infantile epileptic encephalopathy 14. Identifiers: Orphanet 293181, MedGen C3554195, MONDO:0013989, OMIM 614959.

Submission:

Labcorp Genetics (formerly Invitae), Labcorp
Classification: Uncertain significance for Autosomal dominant nocturnal frontal lobe epilepsy 5; Developmental and epileptic encephalopathy, 14. Last evaluated: 2024-09-26. Review status: criteria provided, single submitter. Criteria: Invitae Variant Classification Sherloc (09022015). Collection method: clinical testing. Allele origin: germline.
Comment: This sequence change replaces aspartic acid, which is acidic and polar, with asparagine, which is neutral and polar, at codon 1202 of the KCNT1 protein (p.Asp1202Asn). This variant is present in population databases (rs749733462, gnomAD 0.0009%). This variant has not been reported in the literature in individuals affected with KCNT1-related conditions. Invitae Evidence Modeling of protein sequence and biophysical properties (such as structural, functional, and spatial information, amino acid conservation, physicochemical variation, residue mobility, and thermodynamic stability) indicates that this missense variant is not expected to disrupt KCNT1 protein function with a negative predictive value of 80%. In summary, the available evidence is currently insufficient to determine the role of this variant in disease. Therefore, it has been classified as a Variant of Uncertain Significance.